The following is an entry in ClinVar:

NM_004446.3(EPRS1):c.1549C>A (p.Pro517Thr)

Gene: EPRS1 (glutamyl-prolyl-tRNA synthetase 1; minus strand). Cytogenetic location: 1q41.
Variant type: single nucleotide variant.
Coding change: c.1549C>A on transcript NM_004446.3 (MANE Select); coding-DNA position 1549, C replaced by A.
Protein change: p.Pro517Thr; replaces proline 517 with threonine.
Molecular consequence: missense variant.
Genome position (GRCh38, 1-based): chr1:220,011,002, G>T on the plus strand (C>A on the coding strand, the complement: EPRS1 is on the minus strand). VCF-style: chr1-220011002-G-T. GRCh37 (hg19) VCF-style: chr1-220184344-G-T.
Other names: c.1549C>A (NM_004446.2); short protein forms P517T.
Identifiers: ClinVar variation 2187371 (VCV002187371.5), dbSNP rs201028439, ClinGen allele CA1400248.

ClinVar aggregate classification (germline): Likely benign. Review status: criteria provided, multiple submitters, no conflicts (2 of 4 stars). 2 submissions from 2 submitters: Likely benign (2). Last evaluated 2025-07-31.

Conditions:
EPRS1-related disorder. Also called: EPRS1-related condition.

Allele frequency attached by ClinVar (database versions not stated): ESP Exome Variant Server 0.00008; gnomAD exomes 0.00012; ExAC 0.00016; gnomAD 0.00019; TOPMed 0.00024.
gnomAD v4.1: 224 of 1,613,456 alleles (0.014%); highest among the groups gnomAD compares: Middle Eastern, 0.082%; no homozygotes.

Submissions (2):

PreventionGenetics, part of Exact Sciences
Classification: Likely benign for EPRS1-related condition. Last evaluated: 2025-07-31. Review status: criteria provided, single submitter. Criteria: ACMG Guidelines, 2015. Collection method: clinical testing. Allele origin: germline.
Comment: This variant is classified as likely benign based on ACMG/AMP sequence variant interpretation guidelines (Richards et al. 2015 PMID: 25741868, with internal and published modifications).

Labcorp Genetics (formerly Invitae), Labcorp
Classification: Likely benign. Last evaluated: 2025-04-14. Review status: criteria provided, single submitter. Criteria: Invitae Variant Classification Sherloc (09022015). Collection method: clinical testing. Allele origin: germline.